The following is an entry in ClinVar:

ClinVar aggregate classification (germline): Pathogenic (0 of 4 stars; one submission).

Conditions:
Hereditary breast ovarian cancer syndrome. Also called: Breast and ovarian cancer; Hereditary breast and ovarian cancer syndrome; Hereditary breast and ovarian cancer; Hereditary breast and ovarian cancer syndrome (HBOC); Hereditary breast and/or ovarian cancer syndrome; BRCA1- and BRCA2-Associated Hereditary Breast and Ovarian Cancer. Identifiers: Orphanet 145, MedGen C0677776, MeSH D061325, MONDO:0003582. Disease mechanism: loss of function.

Submission:

Lab of Molecular Oncology, Sapienza University of Rome
Classification: Pathogenic for Hereditary breast and ovarian cancer syndrome. Last evaluated: 2017-10-02. Review status: no assertion criteria provided. Collection method: clinical testing. Allele origin: de novo. Inheritance: Autosomal dominant inheritance. Affected: no. Observed: 1 heterozygote.
Comment: The novel BRCA1 NG_005905.2: g.160396_164568del4173 LGR is responsible of 4173 nucleotides deletion, encompassing part of IVS19, exon 20 and IVS20. It originated from an erroneous homologous recombination process between two AluY motifs. It has been identified in two members of one HBOC Italian family.

Literature cited by the submitters: DOI 10.7717/peerj.7972.

NM_007294.4(BRCA1):c.5194-453_5278-2299del

Gene: BRCA1 (BRCA1 DNA repair associated; minus strand). Cytogenetic location: 17q21.31.
Variant type: Deletion.
Coding change: c.5194-453_5278-2299del on transcript NM_007294.4 (MANE Select); 453 bases into the intron before coding-DNA position 5194 through 2299 bases into the intron before coding-DNA position 5278, 4,173 bases deleted.
Molecular consequence: splice acceptor variant, splice donor variant.
Genome position (GRCh38, 1-based): chr17:43,053,416-43,057,588, 4,173 bases deleted. GRCh37 (hg19): chr17:41,205,445-41,209,617.
Other names: c.1741-453_1825-2299del (NM_001408458.1, NM_001408461.1, NM_001408464.1 and 7 more transcripts); c.4303-453_4387-2299del (NM_001407967.1); c.4813-453_4897-2299del (NM_001407959.1); c.4927-453_5011-2299del (NM_001407931.1, NM_001407932.1, NM_001407928.1 and 4 more transcripts); c.5050-453_5134-2299del (NM_001407747.1, NM_001407745.1, NM_001407737.1 and 21 more transcripts); c.4810-453_4894-2299del (NM_001407962.1, NM_001407960.1); c.1381-453_1465-2299del (NM_001408512.1); c.1504-453_1588-2299del (NM_001408510.1); and 74 more.
Identifiers: ClinVar variation 598937 (VCV000598937.6), ClinGen allele CA913191184.